The following is an entry in ClinVar:

NM_000238.4(KCNH2):c.2681G>T (p.Arg894Leu)

Gene: KCNH2 (potassium voltage-gated channel subfamily H member 2; minus strand). Cytogenetic location: 7q36.1.
Variant type: single nucleotide variant.
Coding change: c.2681G>T on transcript NM_000238.4 (MANE Select); coding-DNA position 2681, G replaced by T.
Protein change: p.Arg894Leu; replaces arginine 894 with leucine.
Molecular consequence: missense variant.
Genome position (GRCh38, 1-based): chr7:150,948,455, C>A on the plus strand (G>T on the coding strand, the complement: KCNH2 is on the minus strand). VCF-style: chr7-150948455-C-A. GRCh37 (hg19) VCF-style: chr7-150645543-C-A.
Other names: c.1661G>T, p.Arg554Leu (NM_172057.3); c.2681G>T (LRG_288t1); short protein forms R554L, R894L.
Identifiers: ClinVar variation 67425 (VCV000067425.9), dbSNP rs199473668, ClinGen allele CA007134.

ClinVar aggregate classification (germline): Uncertain significance. Review status: criteria provided, multiple submitters, no conflicts (2 of 4 stars). 5 submissions from 5 submitters: Uncertain significance (4). 1 of the submissions does not count toward it. Last evaluated 2024-06-25.

Conditions:
Cardiac arrhythmia. Also called: Arrhythmia; Cardiac rhythm disease. Identifiers: MedGen C0003811, MONDO:0007263, HP:0011675.
Cardiovascular phenotype. Identifiers: MedGen CN230736.
Familial long QT syndrome (RWS). Also called: Congenital long QT syndrome; Romano-Ward syndrome; VENTRICULAR FIBRILLATION WITH PROLONGED QT INTERVAL. Identifiers: Orphanet 768, MedGen C1141890, MONDO:0019171.
Long QT syndrome (LQTS). Identifiers: MedGen C0023976, MeSH D008133, MONDO:0002442. Disease mechanism: loss of function. Inheritance: Various modes of inheritance.

Allele frequency attached by ClinVar (database versions not stated): TOPMed 0.00001.
gnomAD v4.1: 4 of 1,295,228 alleles (0.00031%); highest among the groups gnomAD compares: African/African-American, 0.0015%; no homozygotes.

Submissions (5):

Color Diagnostics, LLC DBA Color Health
Classification: Uncertain significance for Cardiac arrhythmia. Last evaluated: 2024-06-25. Review status: criteria provided, single submitter. Criteria: ACMG Guidelines, 2015. Collection method: clinical testing. Allele origin: germline.
Comment: This missense variant replaces arginine with leucine at codon 894 of the KCNH2 protein. Computational prediction suggests that this variant may have deleterious impact on protein structure and function (internally defined REVEL score threshold >= 0.7, PMID: 27666373). To our knowledge, functional studies have not been reported for this variant. This variant has been reported in an individual referred for long QT syndrome test (PMID: 19716085). This variant has been identified in 1/244078 chromosomes in the general population by the Genome Aggregation Database (gnomAD). The available evidence is insufficient to determine the role of this variant in disease conclusively. Therefore, this variant is classified as a Variant of Uncertain Significance.

All of Us Research Program, National Institutes of Health
Classification: Uncertain significance for Long QT syndrome. Last evaluated: 2024-03-14. Review status: criteria provided, single submitter. Criteria: ACMG Guidelines, 2015. Collection method: clinical testing. Allele origin: germline. Inheritance: Autosomal dominant inheritance. Observed: 3 variant alleles, 3 heterozygotes.
Comment: This missense variant replaces arginine with leucine at codon 894 of the KCNH2 protein. Computational prediction suggests that this variant may have deleterious impact on protein structure and function (internally defined REVEL score threshold >= 0.7, PMID: 27666373). To our knowledge, functional studies have not been reported for this variant. This variant has been reported in an individual referred for long QT syndrome test (PMID: 19716085). This variant has been identified in 1/244078 chromosomes in the general population by the Genome Aggregation Database (gnomAD). The available evidence is insufficient to determine the role of this variant in disease conclusively. Therefore, this variant is classified as a Variant of Uncertain Significance.

This study involves interpretation of variants in research participants for the purpose of population health screening. Participant phenotype was not available at the time of variant classification. Additional details can be found in publication PMID: 35346344, PMCID: PMC8962531

Labcorp Genetics (formerly Invitae), Labcorp
Classification: Uncertain significance for Long QT syndrome. Last evaluated: 2023-11-16. Review status: criteria provided, single submitter. Criteria: Invitae Variant Classification Sherloc (09022015). Collection method: clinical testing. Allele origin: germline.
Comment: This sequence change replaces arginine, which is basic and polar, with leucine, which is neutral and non-polar, at codon 894 of the KCNH2 protein (p.Arg894Leu). This variant is present in population databases (rs199473668, gnomAD 0.0009%). This missense change has been observed in individual(s) with clinical features of KCNH2-related conditions (PMID: 19716085). ClinVar contains an entry for this variant (Variation ID: 67425). An algorithm developed to predict the effect of missense changes on protein structure and function (PolyPhen-2) suggests that this variant is likely to be tolerated. In summary, the available evidence is currently insufficient to determine the role of this variant in disease. Therefore, it has been classified as a Variant of Uncertain Significance.

Ambry Genetics
Classification: Uncertain significance for Cardiovascular phenotype. Last evaluated: 2022-09-07. Review status: criteria provided, single submitter. Criteria: Ambry Variant Classification Scheme 2023. Collection method: clinical testing. Allele origin: germline.

Cardiovascular Biomedical Research Unit, Royal Brompton & Harefield NHS Foundation Trust
No classification provided. Condition: Familial long QT syndrome. Review status: no classification provided. Collection method: literature only. Allele origin: germline. Not counted in ClinVar's aggregate classification.
Comment: This variant has been reported as associated with Long QT syndrome in the following publications (PMID:19716085). This is a literature report, and does not necessarily reflect the clinical interpretation of the Imperial College / Royal Brompton Cardiovascular Genetics laboratory.

Literature cited by the submitters: PubMed 19716085 (cited by 4 submitters); PubMed 22581653 (cited by Cardiovascular Biomedical Research Unit, Royal Brompton & Harefield NHS Foundation Trust).